The following is an entry in ClinVar:

NM_001277115.2(DNAH11):c.6834G>C (p.Lys2278Asn)

Gene: DNAH11 (dynein axonemal heavy chain 11; plus strand). Cytogenetic location: 7p15.3.
Variant type: single nucleotide variant.
Coding change: c.6834G>C on transcript NM_001277115.2 (MANE Select); coding-DNA position 6834, G replaced by C.
Protein change: p.Lys2278Asn; replaces lysine 2278 with asparagine.
Molecular consequence: missense variant.
Genome position (GRCh38, 1-based): chr7:21,710,703, G>C. VCF-style: chr7-21710703-G-C. GRCh37 (hg19) VCF-style: chr7-21750321-G-C.
Other names: short protein forms K2278N.
Identifiers: ClinVar variation 4718859 (VCV004718859.1).

ClinVar aggregate classification (germline): Uncertain significance (1 of 4 stars; one submission).

Conditions:
Primary ciliary dyskinesia. Also called: Ciliary dyskinesia. Identifiers: Orphanet 244, MedGen C0008780, MONDO:0016575, HP:0012265.

gnomAD v4.1: 1 of 1,609,894 alleles (0.000062%); highest among the groups gnomAD compares: African/African-American, 0.0013%; no homozygotes.

Submission:

Labcorp Genetics (formerly Invitae), Labcorp
Classification: Uncertain significance for Primary ciliary dyskinesia. Last evaluated: 2025-05-03. Review status: criteria provided, single submitter. Criteria: Invitae Variant Classification Sherloc (09022015). Collection method: clinical testing. Allele origin: germline.
Comment: This sequence change replaces lysine, which is basic and polar, with asparagine, which is neutral and polar, at codon 2278 of the DNAH11 protein (p.Lys2278Asn). This variant also falls at the last nucleotide of exon 41, which is part of the consensus splice site for this exon. This variant is not present in population databases (gnomAD no frequency). This variant has not been reported in the literature in individuals affected with DNAH11-related conditions. An algorithm developed to predict the effect of missense changes on protein structure and function (PolyPhen-2) suggests that this variant is likely to be disruptive. Variants that disrupt the consensus splice site are a relatively common cause of aberrant splicing (PMID: 17576681, 9536098). Algorithms developed to predict the effect of sequence changes on RNA splicing suggest that this variant may disrupt the consensus splice site. In summary, the available evidence is currently insufficient to determine the role of this variant in disease. Therefore, it has been classified as a Variant of Uncertain Significance.

Literature cited by the submitters: PubMed 17576681; PubMed 9536098.